The following is an entry in ClinVar:

NM_006440.5(TXNRD2):c.113G>A (p.Arg38Gln)

Gene: TXNRD2 (thioredoxin reductase 2; minus strand). Cytogenetic location: 22q11.21.
Variant type: single nucleotide variant.
Coding change: c.113G>A on transcript NM_006440.5 (MANE Select); coding-DNA position 113, G replaced by A.
Protein change: p.Arg38Gln; replaces arginine 38 with glutamine.
Molecular consequence: missense variant. On other transcripts: 5 prime UTR variant (1), non-coding transcript variant (1).
Genome position (GRCh38, 1-based): chr22:19,931,089, C>T on the plus strand (G>A on the coding strand, the complement: TXNRD2 is on the minus strand). VCF-style: chr22-19931089-C-T. GRCh37 (hg19) VCF-style: chr22-19918612-C-T.
Other names: c.113G>A, p.Arg38Gln (NM_001282512.3); c.110G>A, p.Arg37Gln (NM_001352300.2); c.23G>A, p.Arg8Gln (NM_001352301.2); c.-176G>A (NM_001352302.2); c.17G>A, p.Arg6Gln (NM_001352303.2); short protein forms R38Q, R37Q, R6Q, R8Q.
Identifiers: ClinVar variation 519142 (VCV000519142.14), dbSNP rs777384922, ClinGen allele CA10104341.

ClinVar aggregate classification (germline): Conflicting classifications of pathogenicity. Review status: criteria provided, conflicting classifications (1 of 4 stars). 3 submissions from 3 submitters: Uncertain significance (2); Likely benign (1). Last evaluated 2025-11-04.

Conditions:
Cardiovascular phenotype. Identifiers: MedGen CN230736.
Primary dilated cardiomyopathy (DCM). Also called: Dilated Cardiomyopathy. Identifiers: Orphanet 217604, MedGen C0007193, MeSH D002311, MONDO:0005021, HP:0001644. Inheritance: Various modes of inheritance.

Allele frequency attached by ClinVar (database versions not stated): gnomAD 0.00001 and 0.00002; gnomAD exomes 0.00002 and 0.00007; TOPMed 0.00003; ExAC 0.00007.
gnomAD v4.1: 29 of 1,613,368 alleles (0.0018%); highest among the groups gnomAD compares: Admixed American, 0.023%; no homozygotes.

Submissions (3):

GeneDx
Classification: Uncertain significance. Last evaluated: 2025-11-04. Review status: criteria provided, single submitter. Criteria: GeneDx Variant Classification Process June 2021. Collection method: clinical testing. Allele origin: germline.
Comment: Has not been previously published as pathogenic or benign to our knowledge; In silico analysis suggests that this missense variant does not alter protein structure/function

Ambry Genetics
Classification: Likely benign for Cardiovascular phenotype. Last evaluated: 2025-07-04. Review status: criteria provided, single submitter. Criteria: Ambry Variant Classification Scheme 2023. Collection method: clinical testing. Allele origin: germline.

Labcorp Genetics (formerly Invitae), Labcorp
Classification: Uncertain significance for Primary dilated cardiomyopathy. Last evaluated: 2025-02-06. Review status: criteria provided, single submitter. Criteria: Invitae Variant Classification Sherloc (09022015). Collection method: clinical testing. Allele origin: germline.
Comment: This sequence change replaces arginine, which is basic and polar, with glutamine, which is neutral and polar, at codon 38 of the TXNRD2 protein (p.Arg38Gln). This variant is present in population databases (rs777384922, gnomAD 0.04%). This variant has not been reported in the literature in individuals affected with TXNRD2-related conditions. ClinVar contains an entry for this variant (Variation ID: 519142). Invitae Evidence Modeling of protein sequence and biophysical properties (such as structural, functional, and spatial information, amino acid conservation, physicochemical variation, residue mobility, and thermodynamic stability) indicates that this missense variant is not expected to disrupt TXNRD2 protein function with a negative predictive value of 80%. In summary, the available evidence is currently insufficient to determine the role of this variant in disease. Therefore, it has been classified as a Variant of Uncertain Significance.